The following is an entry in ClinVar:

ClinVar aggregate classification (germline): Likely pathogenic (1 of 4 stars; one submission).

Conditions:
Dilated cardiomyopathy 1G (CMD1G). Identifiers: Orphanet 154, MedGen C1858763, MONDO:0011400, OMIM 604145.
Autosomal recessive limb-girdle muscular dystrophy type 2J (LGMDR10). Also called: Limb-girdle muscular dystrophy, type 2J; MUSCULAR DYSTROPHY, LIMB-GIRDLE, AUTOSOMAL RECESSIVE 10. Identifiers: Orphanet 140922, MedGen C1837342, MONDO:0012127, OMIM 608807.

Submission:

Labcorp Genetics (formerly Invitae), Labcorp
Classification: Likely pathogenic for Dilated cardiomyopathy 1G; Autosomal recessive limb-girdle muscular dystrophy type 2J. Last evaluated: 2024-04-11. Review status: criteria provided, single submitter. Criteria: Invitae Variant Classification Sherloc (09022015). Collection method: clinical testing. Allele origin: germline.
Comment: This sequence change creates a premature translational stop signal (p.Leu34394*) in the TTN gene. While this is not anticipated to result in nonsense mediated decay, it is expected to create a truncated TTN protein. This variant is not present in population databases (gnomAD no frequency). This variant has not been reported in the literature in individuals affected with TTN-related conditions. This variant is located in the M band of TTN (PMID: 25589632). Truncating variants in this region have been previously reported in individuals affected with autosomal recessive myopathy and muscular dystrophy (PMID: 18948003, 23975875, 24395473). Truncating variants in this region have also been identified in individuals affected with autosomal dominant dilated cardiomyopathy and/or cardio-related conditions (PMID: 27869827, 32964742, Invitae internal data). In summary, the currently available evidence indicates that the variant is pathogenic, but additional data are needed to prove that conclusively. Therefore, this variant has been classified as Likely Pathogenic.

Literature cited by the submitters: PubMed 25589632; PubMed 18948003; PubMed 23975875; PubMed 24395473; PubMed 27869827; PubMed 32964742.

NM_001267550.2(TTN):c.103181_103190del (p.Thr34393_Leu34394insTer)

Genes: TTN (titin; minus strand), TTN-AS1 (TTN antisense RNA 1; plus strand). Cytogenetic location: 2q31.2.
Variant type: Deletion.
Coding change: c.103181_103190del on transcript NM_001267550.2 (MANE Select); coding-DNA positions 103181 to 103190, 10 bases deleted (TAAAATGGGA; older notation c.103181_103190delTAAAATGGGA).
Protein change: p.Thr34393_Leu34394insTer.
Molecular consequence: nonsense.
Genome position (GRCh38, 1-based): chr2:178,533,425-178,533,434, TCCCATTTTA deleted on the plus strand (TAAAATGGGA on the coding strand, the reverse complement: TTN is on the minus strand). VCF-style (leftmost placement, unchanged base first): chr2-178533424-CTCCCATTTTA-C. GRCh37 (hg19) VCF-style: chr2-179398151-CTCCCATTTTA-C.
Other names: c.98258_98267del, p.Thr32752_Leu32753insTer (NM_001256850.1); c.75986_75995del, p.Thr25328_Leu25329insTer (NM_003319.4); c.95477_95486del, p.Thr31825_Leu31826insTer (NM_133378.4); c.76361_76370del, p.Thr25453_Leu25454insTer (NM_133432.3); c.76562_76571del, p.Thr25520_Leu25521insTer (NM_133437.4).
Identifiers: ClinVar variation 3755814 (VCV003755814.2).